The following is an entry in ClinVar:

ClinVar aggregate classification (germline): Uncertain significance. Review status: criteria provided, multiple submitters, no conflicts (2 of 4 stars). 2 submissions from 2 submitters: Uncertain significance (2). Last evaluated 2025-08-04.

Conditions:
Drash syndrome (DDS). Also called: NEPHROPATHY, WILMS TUMOR, AND GENITAL ANOMALIES; WILMS TUMOR AND PSEUDO- OR TRUE HERMAPHRODITISM. Identifiers: Orphanet 220, MedGen C0950121, MONDO:0008682, OMIM 194080.
Frasier syndrome. Identifiers: Orphanet 347, MedGen C0950122, MeSH D052159, MONDO:0007635, OMIM 136680.
Wilms tumor 1 (WT1). Also called: Wilms tumor, somatic. Identifiers: Orphanet 654, MedGen CN033288, MONDO:0008679, OMIM 194070.
11p partial monosomy syndrome (WAGR). Also called: CHROMOSOME 11p13 DELETION SYNDROME; WAGR Spectrum Disorder; WAGR Complex; WAGR syndrome. Identifiers: Orphanet 893, MedGen C0206115, MONDO:0008681, OMIM 194072.
Inborn genetic diseases. Identifiers: MedGen C0950123, MeSH D030342.

Submissions (2):

Ambry Genetics
Classification: Uncertain significance for Inborn genetic diseases. Last evaluated: 2025-08-04. Review status: criteria provided, single submitter. Criteria: Ambry Variant Classification Scheme 2023. Collection method: clinical testing. Allele origin: germline.
Comment: The p.G121A variant (also known as c.362G>C), located in coding exon 1 of the WT1 gene, results from a G to C substitution at nucleotide position 362. The glycine at codon 121 is replaced by alanine, an amino acid with similar properties. This amino acid position is conserved. In addition, this alteration is predicted to be tolerated by in silico analysis. Based on the available evidence, the clinical significance of this variant remains unclear.

Labcorp Genetics (formerly Invitae), Labcorp
Classification: Uncertain significance for Wilms tumor 1; Drash syndrome; 11p partial monosomy syndrome; Frasier syndrome. Last evaluated: 2020-03-14. Review status: criteria provided, single submitter. Criteria: Invitae Variant Classification Sherloc (09022015). Collection method: clinical testing. Allele origin: germline.
Comment: This sequence change replaces glycine with alanine at codon 121 of the WT1 protein (p.Gly121Ala). The glycine residue is moderately conserved and there is a small physicochemical difference between glycine and alanine. The frequency data for this variant in the population databases is considered unreliable, as metrics indicate insufficient coverage at this position in the ExAC database. This variant has not been reported in the literature in individuals with WT1-related conditions. Algorithms developed to predict the effect of missense changes on protein structure and function output the following: SIFT: "Tolerated"; PolyPhen-2: "Benign"; Align-GVGD: "Class C0". The alanine amino acid residue is found in multiple mammalian species, suggesting that this missense change does not adversely affect protein function. These predictions have not been confirmed by published functional studies and their clinical significance is uncertain. In summary, the available evidence is currently insufficient to determine the role of this variant in disease. Therefore, it has been classified as a Variant of Uncertain Significance.

NM_024426.6(WT1):c.377G>C (p.Gly126Ala)

Genes: WT1 (WT1 transcription factor; minus strand), LOC107982234 (WT1/WT1-AS bi-directional promoter region; plus strand). Cytogenetic location: 11p13.
Variant type: single nucleotide variant.
Coding change: c.377G>C on transcript NM_024426.6 (MANE Select); coding-DNA position 377, G replaced by C.
Protein change: p.Gly126Ala; replaces glycine 126 with alanine.
Molecular consequence: missense variant. On other transcripts: non-coding transcript variant (1).
Genome position (GRCh38, 1-based): chr11:32,434,984, C>G on the plus strand (G>C on the coding strand, the complement: WT1 is on the minus strand). VCF-style: chr11-32434984-C-G. GRCh37 (hg19) VCF-style: chr11-32456530-C-G.
Other names: c.362G>C (NM_024426.4); c.377G>C, p.Gly126Ala (NM_000378.6, NM_024424.5); short protein forms G126A.
Identifiers: ClinVar variation 1058424 (VCV001058424.10), dbSNP rs2133104145, ClinGen allele CA379965818.